The following is an entry in ClinVar:

ClinVar aggregate classification (germline): Uncertain significance (1 of 4 stars; one submission).

Conditions:
Charcot-Marie-Tooth disease type 4. Also called: Charcot-Marie-Tooth disease, type IV; Charcot-Marie-Tooth, Type 4. Identifiers: Orphanet 64749, MedGen C4082197, MONDO:0018995.

Allele frequency attached by ClinVar (database versions not stated): gnomAD exomes below 0.00001; ExAC 0.00001.
gnomAD v4.1: 1 of 1,613,364 alleles (0.000062%); no homozygotes.

Submission:

Labcorp Genetics (formerly Invitae), Labcorp
Classification: Uncertain significance for Charcot-Marie-Tooth disease type 4. Last evaluated: 2022-07-19. Review status: criteria provided, single submitter. Criteria: Invitae Variant Classification Sherloc (09022015). Collection method: clinical testing. Allele origin: germline.
Comment: In summary, the available evidence is currently insufficient to determine the role of this variant in disease. Therefore, it has been classified as a Variant of Uncertain Significance. Advanced modeling of protein sequence and biophysical properties (such as structural, functional, and spatial information, amino acid conservation, physicochemical variation, residue mobility, and thermodynamic stability) performed at Invitae indicates that this missense variant is not expected to disrupt SH3TC2 protein function. ClinVar contains an entry for this variant (Variation ID: 963277). This variant has not been reported in the literature in individuals affected with SH3TC2-related conditions. This variant is present in population databases (rs771840516, gnomAD 0.003%). This sequence change replaces glycine, which is neutral and non-polar, with aspartic acid, which is acidic and polar, at codon 1284 of the SH3TC2 protein (p.Gly1284Asp).

NM_024577.4(SH3TC2):c.3851G>A (p.Gly1284Asp)

Gene: SH3TC2 (SH3 domain and tetratricopeptide repeats 2; minus strand). Cytogenetic location: 5q32.
Variant type: single nucleotide variant.
Coding change: c.3851G>A on transcript NM_024577.4 (MANE Select); coding-DNA position 3851, G replaced by A.
Protein change: p.Gly1284Asp; replaces glycine 1284 with aspartic acid.
Molecular consequence: missense variant.
Genome position (GRCh38, 1-based): chr5:149,004,727, C>T on the plus strand (G>A on the coding strand, the complement: SH3TC2 is on the minus strand). VCF-style: chr5-149004727-C-T. GRCh37 (hg19) VCF-style: chr5-148384290-C-T.
Other names: short protein forms G1284D.
Identifiers: ClinVar variation 963277 (VCV000963277.8), dbSNP rs771840516, ClinGen allele CA3498609.